The following is an entry in ClinVar:

NM_020745.4(AARS2):c.1412G>A (p.Arg471Gln)

Gene: AARS2 (alanyl-tRNA synthetase 2, mitochondrial; minus strand). Cytogenetic location: 6p21.1.
Variant type: single nucleotide variant.
Coding change: c.1412G>A on transcript NM_020745.4 (MANE Select); coding-DNA position 1412, G replaced by A.
Protein change: p.Arg471Gln; replaces arginine 471 with glutamine.
Molecular consequence: missense variant.
Genome position (GRCh38, 1-based): chr6:44,305,675, C>T on the plus strand (G>A on the coding strand, the complement: AARS2 is on the minus strand). VCF-style: chr6-44305675-C-T. GRCh37 (hg19) VCF-style: chr6-44273412-C-T.
Other names: p.R471Q:CGG>CAG; p.Arg471Gln; short protein forms R471Q.
Identifiers: ClinVar variation 136230 (VCV000136230.18), dbSNP rs34530313, ClinGen allele CA289207.

ClinVar aggregate classification (germline): Benign/Likely benign. Review status: criteria provided, multiple submitters, no conflicts (2 of 4 stars). 6 submissions from 6 submitters: Benign (4); Likely benign (2). Last evaluated 2026-01-19.

Conditions:
Leukoencephalopathy, progressive, with ovarian failure (LKENP). Identifiers: Orphanet 99853, MedGen C4014588, MONDO:0014387, OMIM 615889.
Combined oxidative phosphorylation defect type 8. Also called: CARDIOMYOPATHY, HYPERTROPHIC MITOCHONDRIAL, FATAL INFANTILE. Identifiers: Orphanet 319504, MedGen C4518839, MONDO:0013570, OMIM 614096.

Allele frequency attached by ClinVar (database versions not stated): gnomAD exomes 0.00090 and 0.00246; ExAC 0.00322; gnomAD 0.00931 and 0.01004; ESP Exome Variant Server 0.00946; 1000 Genomes Project 0.00998; 1000 Genomes Project 30x 0.01046; TOPMed 0.01058.

Submissions (6):

Labcorp Genetics (formerly Invitae), Labcorp
Classification: Benign. Last evaluated: 2026-01-19. Review status: criteria provided, single submitter. Criteria: Invitae Variant Classification Sherloc (09022015). Collection method: clinical testing. Allele origin: germline.

Molecular Diagnostic Laboratory for Inherited Cardiovascular Disease, Montreal Heart Institute
Classification: Likely benign. Last evaluated: 2025-04-09. Review status: criteria provided, single submitter. Criteria: ACMG Guidelines, 2015. Collection method: clinical testing. Allele origin: germline. Affected: no.

Fulgent Genetics
Classification: Likely benign for Combined oxidative phosphorylation defect type 8; Leukoencephalopathy, progressive, with ovarian failure. Last evaluated: 2021-10-08. Review status: criteria provided, single submitter. Criteria: ACMG Guidelines, 2015. Collection method: clinical testing. Allele origin: unknown.

Mayo Clinic Laboratories, Mayo Clinic
Classification: Benign. Last evaluated: 2018-08-06. Review status: criteria provided, single submitter. Criteria: ACMG Guidelines, 2015. Collection method: clinical testing. Allele origin: germline. Observed: 8 variant alleles.

Illumina Laboratory Services, Illumina
Classification: Benign for Combined oxidative phosphorylation defect type 8. Last evaluated: 2018-01-13. Review status: criteria provided, single submitter. Criteria: ICSL Variant Classification Criteria 13 December 2019. Collection method: clinical testing. Allele origin: germline.
Comment: This variant was observed in the ICSL laboratory as part of a predisposition screen in an ostensibly healthy population. It had not been previously curated by ICSL or reported in the Human Gene Mutation Database (HGMD: prior to June 1st, 2018), and was therefore a candidate for classification through an automated scoring system. Utilizing variant allele frequency, disease prevalence and penetrance estimates, and inheritance mode, an automated score was calculated to assess if this variant is too frequent to cause the disease. Based on the score and internal cut-off values, a variant classified as benign is not then subjected to further curation. The score for this variant resulted in a classification of benign for this disease.

GeneDx
Classification: Benign. Last evaluated: 2014-04-02. Review status: criteria provided, single submitter. Criteria: GeneDx Variant Classification (06012015). Collection method: clinical testing. Allele origin: germline. Affected: yes.
Comment: This variant is considered likely benign or benign based on one or more of the following criteria: it is a conservative change, it occurs at a poorly conserved position in the protein, it is predicted to be benign by multiple in silico algorithms, and/or has population frequency not consistent with disease.